The following is an entry in ClinVar:

ClinVar aggregate classification (germline): Uncertain significance (1 of 4 stars; one submission).

Submission:

Labcorp Genetics (formerly Invitae), Labcorp
Classification: Uncertain significance. Last evaluated: 2024-01-18. Review status: criteria provided, single submitter. Criteria: Invitae Variant Classification Sherloc (09022015). Collection method: clinical testing. Allele origin: germline.
Comment: This sequence change falls in intron 2 of the CDK5RAP2 gene. It does not directly change the encoded amino acid sequence of the CDK5RAP2 protein. It affects a nucleotide within the consensus splice site. This variant is present in population databases (rs757844286, gnomAD 0.01%). This variant has not been reported in the literature in individuals affected with CDK5RAP2-related conditions. ClinVar contains an entry for this variant (Variation ID: 2184241). Variants that disrupt the consensus splice site are a relatively common cause of aberrant splicing (PMID: 17576681, 9536098). Algorithms developed to predict the effect of sequence changes on RNA splicing suggest that this variant may disrupt the consensus splice site. In summary, the available evidence is currently insufficient to determine the role of this variant in disease. Therefore, it has been classified as a Variant of Uncertain Significance.

Literature cited by the submitters: PubMed 17576681; PubMed 9536098.

NM_018249.6(CDK5RAP2):c.127+4_127+7del

Gene: CDK5RAP2 (CDK5 regulatory subunit associated protein 2; minus strand). Cytogenetic location: 9q33.2.
Variant type: Deletion.
Coding change: c.127+4_127+7del on transcript NM_018249.6 (MANE Select); bases 4 to 7 of the intron after coding-DNA position 127, 4 bases deleted (AGTA; older notation c.127+4_127+7delAGTA).
Molecular consequence: splice donor variant.
Genome position (GRCh38, 1-based): chr9:120,571,967-120,571,970, TACT deleted on the plus strand (AGTA on the coding strand, the reverse complement: CDK5RAP2 is on the minus strand); deleting any 4 consecutive bases within chr9:120,571,967-120,571,973 gives the same sequence; the c. name uses the placement nearest the transcript's 3' end. VCF-style (leftmost placement, unchanged base first): chr9-120571966-GTACT-G. GRCh37 (hg19) VCF-style: chr9-123334244-GTACT-G.
Other names: c.127+4_127+7del (NM_001272039.2, NM_001011649.3).
Identifiers: ClinVar variation 2184241 (VCV002184241.2), dbSNP rs757844286, ClinGen allele CA5214858.
Genomic context (GRCh38, chr9:120,571,966, plus strand): 5'-ATGCTCACAGTCCAATGTCTACTTTCCTTGTTCTTTACTCAAGAGAATGCCTGGTTTTGT[GTACT>G]TACGACCATTTCCCAACCCAGCATTGGGGTTGATGCCATCCAGGTCATCTGGTACACTGG-3'